The following is an entry in ClinVar:

ClinVar aggregate classification (germline): Uncertain significance (1 of 4 stars; one submission).

Conditions:
Autosomal recessive limb-girdle muscular dystrophy type 2J (LGMDR10). Also called: Limb-girdle muscular dystrophy, type 2J; MUSCULAR DYSTROPHY, LIMB-GIRDLE, AUTOSOMAL RECESSIVE 10. Identifiers: Orphanet 140922, MedGen C1837342, MONDO:0012127, OMIM 608807.
Dilated cardiomyopathy 1G (CMD1G). Identifiers: Orphanet 154, MedGen C1858763, MONDO:0011400, OMIM 604145.

Submission:

Labcorp Genetics (formerly Invitae), Labcorp
Classification: Uncertain significance for Dilated cardiomyopathy 1G; Autosomal recessive limb-girdle muscular dystrophy type 2J. Last evaluated: 2025-09-11. Review status: criteria provided, single submitter. Criteria: Invitae Variant Classification Sherloc (09022015). Collection method: clinical testing. Allele origin: germline.
Comment: This sequence change replaces tryptophan, which is neutral and slightly polar, with leucine, which is neutral and non-polar, at codon 34396 of the TTN protein (p.Trp34396Leu). This variant is not present in population databases (gnomAD no frequency). This variant has not been reported in the literature in individuals affected with TTN-related conditions. Experimental studies and prediction algorithms are not available or were not evaluated, and the functional significance of this variant is currently unknown. This variant is located in the M band of TTN (PMID: 25589632). Non-truncating variants in this region may be relevant for neuromuscular disorders, but have not been definitively shown to cause cardiomyopathy (PMID: 23975875). In summary, the available evidence is currently insufficient to determine the role of this variant in disease. Therefore, it has been classified as a Variant of Uncertain Significance.

Literature cited by the submitters: PubMed 25589632; PubMed 23975875.

NM_001267550.2(TTN):c.103187G>T (p.Trp34396Leu)

Genes: TTN-AS1 (TTN antisense RNA 1; plus strand), TTN (titin; minus strand). Cytogenetic location: 2q31.2.
Variant type: single nucleotide variant.
Coding change: c.103187G>T on transcript NM_001267550.2 (MANE Select); coding-DNA position 103187, G replaced by T.
Protein change: p.Trp34396Leu; replaces tryptophan 34396 with leucine.
Molecular consequence: missense variant.
Genome position (GRCh38, 1-based): chr2:178,533,428, C>A on the plus strand (G>T on the coding strand, the complement: TTN is on the minus strand). VCF-style: chr2-178533428-C-A. GRCh37 (hg19) VCF-style: chr2-179398155-C-A.
Other names: c.98264G>T, p.Trp32755Leu (NM_001256850.1); c.75992G>T, p.Trp25331Leu (NM_003319.4); c.95483G>T, p.Trp31828Leu (NM_133378.4); c.76367G>T, p.Trp25456Leu (NM_133432.3); c.76568G>T, p.Trp25523Leu (NM_133437.4); short protein forms W25331L, W25456L, W25523L, W31828L, W34396L, W32755L.
Identifiers: ClinVar variation 4789123 (VCV004789123.1).
Genomic context (GRCh38, chr2:178,533,428, plus strand): 5'-AAGCCTTCATGGATAATTTCAATGTTAGGCCCGAGGGACAGTGGCTGACCATCTTTCTCC[C>A]ATTTTAATGTTGGTGGGGGGATGCCAGACACTCTGATCTCAAAGCAGACACTTTGGCCTT-3'
Protein context (NP_001254479.2, residues 34386-34406): VSGIPPPTLK[Trp34396Leu]EKDGQPLSLG